The following is an entry in ClinVar:

NM_080473.5(GATA5):c.104C>T (p.Pro35Leu)

Gene: GATA5 (GATA binding protein 5; minus strand). Cytogenetic location: 20q13.33.
Variant type: single nucleotide variant.
Coding change: c.104C>T on transcript NM_080473.5 (MANE Select); coding-DNA position 104, C replaced by T.
Protein change: p.Pro35Leu; replaces proline 35 with leucine.
Molecular consequence: missense variant.
Genome position (GRCh38, 1-based): chr20:62,475,418, G>A on the plus strand (C>T on the coding strand, the complement: GATA5 is on the minus strand). VCF-style: chr20-62475418-G-A. GRCh37 (hg19) VCF-style: chr20-61050474-G-A.
Other names: short protein forms P35L.
Identifiers: ClinVar variation 180367 (VCV000180367.8), dbSNP rs730880111, ClinGen allele CA346357.
Genomic context (GRCh38, chr20:62,475,418, plus strand): 5'-GGCTGCGGGCTCGGCTCACACCCGGACAGGTAGGACAGCATCGAGGGGACGCGCGCCGGC[G>A]GCACAAACATCGGAGAGCCGGCGCCCGGAGCGTGCAGGAAGGAGCCCGAGTCGGCGTAGG-3'
Protein context (NP_536721.1, residues 25-45): APGAGSPMFV[Pro35Leu]PARVPSMLSY

ClinVar aggregate classification (germline): Uncertain significance. Review status: criteria provided, multiple submitters, no conflicts (2 of 4 stars). 3 submissions from 3 submitters: Uncertain significance (3). Last evaluated 2025-03-24.

Allele frequency attached by ClinVar (database versions not stated): gnomAD 0.00002 and 0.00003; TOPMed 0.00003; gnomAD exomes 0.00007.

Submissions (3):

Labcorp Genetics (formerly Invitae), Labcorp
Classification: Uncertain significance. Last evaluated: 2025-03-24. Review status: criteria provided, single submitter. Criteria: Invitae Variant Classification Sherloc (09022015). Collection method: clinical testing. Allele origin: germline.
Comment: This sequence change replaces proline, which is neutral and non-polar, with leucine, which is neutral and non-polar, at codon 35 of the GATA5 protein (p.Pro35Leu). This variant is present in population databases (rs730880111, gnomAD 0.007%). This variant has not been reported in the literature in individuals affected with GATA5-related conditions. ClinVar contains an entry for this variant (Variation ID: 180367). An algorithm developed to predict the effect of missense changes on protein structure and function (PolyPhen-2) suggests that this variant is likely to be tolerated. In summary, the available evidence is currently insufficient to determine the role of this variant in disease. Therefore, it has been classified as a Variant of Uncertain Significance.

GeneDx
Classification: Uncertain significance. Last evaluated: 2023-03-01. Review status: criteria provided, single submitter. Criteria: GeneDx Variant Classification Process June 2021. Collection method: clinical testing. Allele origin: germline. Affected: yes.
Comment: In silico analysis supports that this missense variant has a deleterious effect on protein structure/function; Has not been previously published as pathogenic or benign to our knowledge

Blueprint Genetics
Classification: Uncertain significance. Last evaluated: 2022-07-13. Review status: criteria provided, single submitter. Criteria: ACMG Guidelines, 2015. Collection method: clinical testing. Allele origin: germline.